The following is an entry in ClinVar:

ClinVar aggregate classification (germline): Benign (0 of 4 stars; one submission).

Conditions:
HLA-B-related disorder. Also called: HLA-B-related condition.

Allele frequency attached by ClinVar (database versions not stated): gnomAD 0.03531; gnomAD exomes 0.10271; ExAC 0.14150.

Submission:

PreventionGenetics, part of Exact Sciences
Classification: Benign for HLA-B-related condition. Last evaluated: 2020-12-17. Review status: no assertion criteria provided. Collection method: clinical testing. Allele origin: germline.
Comment: This variant is classified as benign based on ACMG/AMP sequence variant interpretation guidelines (Richards et al. 2015 PMID: 25741868, with internal and published modifications).

NM_005514.8(HLA-B):c.537_538insGA (p.Arg180fs)

Gene: HLA-B (major histocompatibility complex, class I, B; minus strand). Cytogenetic location: 6p21.33.
Variant type: Insertion.
Coding change: c.537_538insGA on transcript NM_005514.8 (MANE Select); coding-DNA positions 537 to 538, GA inserted.
Protein change: p.Arg180fs; shifts the reading frame from arginine 180.
Molecular consequence: frameshift variant.
Genome position: GRCh38 VCF-style: chr6-31356248-G-GTC. GRCh37 (hg19) VCF-style: chr6-31324025-G-GTC.
Other names: short protein forms R180fs.
Identifiers: ClinVar variation 3059849 (VCV003059849.2), dbSNP rs200488894, ClinGen allele CA3711537.
Genomic context (GRCh38, chr6:31,356,248, plus strand): 5'-TCCCGTTCTCCAGGTATCTGCGGAGCCACTCCACGCACTCGCCCTCCAGGTAGGCTCTCC[G>GTC]CTGCTCCGCCTCACGGGCCGCCTCCCACTTGCGCTGGGTGATCTGAGCCGCCGTGTCCGC-3'